The following is an entry in ClinVar:

NM_001080512.3(BICC1):c.2812A>G (p.Arg938Gly)

Gene: BICC1 (BicC family RNA binding protein 1; plus strand). Cytogenetic location: 10q21.1.
Variant type: single nucleotide variant.
Coding change: c.2812A>G on transcript NM_001080512.3 (MANE Select); coding-DNA position 2812, A replaced by G.
Protein change: p.Arg938Gly; replaces arginine 938 with glycine.
Molecular consequence: missense variant.
Genome position (GRCh38, 1-based): chr10:58,828,778, A>G. VCF-style: chr10-58828778-A-G. GRCh37 (hg19) VCF-style: chr10-60588538-A-G.
Other names: short protein forms R938G.
Identifiers: ClinVar variation 3678374 (VCV003678374.2).

ClinVar aggregate classification (germline): Uncertain significance (1 of 4 stars; one submission).

gnomAD v4.1: 8 of 1,613,698 alleles (0.0005%); highest among the groups gnomAD compares: East Asian, 0.0022%; no homozygotes.

Submission:

Labcorp Genetics (formerly Invitae), Labcorp
Classification: Uncertain significance. Last evaluated: 2024-04-23. Review status: criteria provided, single submitter. Criteria: Invitae Variant Classification Sherloc (09022015). Collection method: clinical testing. Allele origin: germline.
Comment: This sequence change replaces arginine, which is basic and polar, with glycine, which is neutral and non-polar, at codon 938 of the BICC1 protein (p.Arg938Gly). This variant is present in population databases (no rsID available, gnomAD 0.006%). This variant has not been reported in the literature in individuals affected with BICC1-related conditions. An algorithm developed to predict the effect of missense changes on protein structure and function (PolyPhen-2) suggests that this variant is likely to be disruptive. In summary, the available evidence is currently insufficient to determine the role of this variant in disease. Therefore, it has been classified as a Variant of Uncertain Significance.